The following is an entry in ClinVar:

NM_021120.4(DLG3):c.298G>A (p.Gly100Ser)

Gene: DLG3 (discs large MAGUK scaffold protein 3; plus strand). Cytogenetic location: Xq13.1.
Variant type: single nucleotide variant.
Coding change: c.298G>A on transcript NM_021120.4 (MANE Select); coding-DNA position 298, G replaced by A.
Protein change: p.Gly100Ser; replaces glycine 100 with serine.
Molecular consequence: missense variant.
Genome position (GRCh38, 1-based): chrX:70,445,499, G>A. VCF-style: chrX-70445499-G-A. GRCh37 (hg19) VCF-style: chrX-69665349-G-A.
Other names: short protein forms G100S.
Identifiers: ClinVar variation 450398 (VCV000450398.2), dbSNP rs1260052688, ClinGen allele CA413490877.

ClinVar aggregate classification (germline): Uncertain significance (1 of 4 stars; one submission).

Allele frequency attached by ClinVar (database versions not stated): gnomAD exomes below 0.00001; gnomAD 0.00005.
gnomAD v4.1: 5 of 1,196,003 alleles (0.00042%); highest among the groups gnomAD compares: Non-Finnish European, 0.00011%; no homozygotes.

Submission:

GeneDx
Classification: Uncertain significance. Last evaluated: 2017-07-18. Review status: criteria provided, single submitter. Criteria: GeneDx Variant Classification (06012015). Collection method: clinical testing. Allele origin: germline. Affected: yes.
Comment: The G100S variant in the DLG3 gene has not been reported previously as a pathogenic variant, nor as a benign variant, to our knowledge. The G100S variant is not observed in large population cohorts (Lek et al., 2016; 1000 Genomes Consortium et al., 2015; Exome Variant Server). The G100S variant is a non-conservative amino acid substitution, which is likely to impact secondary protein structure as these residues differ in polarity, charge, size and/or other properties. This substitution occurs at a position that is conserved across species. In silico analysis is inconsistent in its predictions as to whether or not the variant is damaging to the protein structure/function. We interpret G100S as a variant of uncertain significance.